The following is an entry in ClinVar:

ClinVar aggregate classification (germline): Uncertain significance (1 of 4 stars; one submission).

Conditions:
Autosomal dominant hypocalcemia 1 (HYPOC1). Also called: HYPOCALCEMIA, FAMILIAL. Identifiers: MedGen C3715128, MONDO:0011013, OMIM 601198.
Familial hypocalciuric hypercalcemia (FHH). Also called: Familial benign hypercalcemia. Identifiers: Orphanet 405, MedGen C1809471, MONDO:0018458.

Submission:

Labcorp Genetics (formerly Invitae), Labcorp
Classification: Uncertain significance for Familial hypocalciuric hypercalcemia; Autosomal dominant hypocalcemia 1. Last evaluated: 2024-03-27. Review status: criteria provided, single submitter. Criteria: Invitae Variant Classification Sherloc (09022015). Collection method: clinical testing. Allele origin: germline.
Comment: This sequence change replaces aspartic acid, which is acidic and polar, with alanine, which is neutral and non-polar, at codon 216 of the CASR protein (p.Asp216Ala). This variant is not present in population databases (gnomAD no frequency). This variant has not been reported in the literature in individuals affected with CASR-related conditions. An algorithm developed to predict the effect of missense changes on protein structure and function (PolyPhen-2) suggests that this variant is likely to be disruptive. In summary, the available evidence is currently insufficient to determine the role of this variant in disease. Therefore, it has been classified as a Variant of Uncertain Significance.

NM_000388.4(CASR):c.647A>C (p.Asp216Ala)

Gene: CASR (calcium sensing receptor; plus strand). Cytogenetic location: 3q21.1.
Variant type: single nucleotide variant.
Coding change: c.647A>C on transcript NM_000388.4 (MANE Select); coding-DNA position 647, A replaced by C.
Protein change: p.Asp216Ala; replaces aspartic acid 216 with alanine.
Molecular consequence: missense variant.
Genome position (GRCh38, 1-based): chr3:122,261,682, A>C. VCF-style: chr3-122261682-A-C. GRCh37 (hg19) VCF-style: chr3-121980529-A-C.
Other names: c.647A>C, p.Asp216Ala (NM_001178065.2); short protein forms D216A.
Identifiers: ClinVar variation 3755557 (VCV003755557.2).